The following is an entry in ClinVar:

ClinVar aggregate classification (germline): Uncertain significance. Review status: criteria provided, multiple submitters, no conflicts (2 of 4 stars). 5 submissions from 5 submitters: Uncertain significance (5). Last evaluated 2025-03-04.

Conditions:
Hereditary cancer-predisposing syndrome. Also called: Tumor predisposition; Hereditary neoplastic syndrome; Neoplastic Syndromes, Hereditary; Hereditary Cancer Syndrome. Identifiers: Orphanet 140162, MedGen C0027672, MeSH D009386, MONDO:0015356.
Familial cancer of breast. Also called: hereditary breast carcinoma; Hereditary breast cancer; BREAST CANCER, FAMILIAL. Identifiers: Orphanet 227535, MedGen C0346153, MONDO:0016419, OMIM 114480. Disease mechanism: loss of function.

Allele frequency attached by ClinVar (database versions not stated): gnomAD exomes below 0.00001; TOPMed below 0.00001.

Submissions (5):

Center for Genomic Medicine, Rigshospitalet, Copenhagen University Hospital
Classification: Uncertain significance. Last evaluated: 2025-03-04. Review status: criteria provided, single submitter. Criteria: ACMG Guidelines, 2015. Collection method: clinical testing. Allele origin: germline.

Labcorp Genetics (formerly Invitae), Labcorp
Classification: Uncertain significance for Familial cancer of breast. Last evaluated: 2024-03-05. Review status: criteria provided, single submitter. Criteria: Invitae Variant Classification Sherloc (09022015). Collection method: clinical testing. Allele origin: germline.
Comment: This sequence change replaces valine, which is neutral and non-polar, with isoleucine, which is neutral and non-polar, at codon 415 of the CHEK2 protein (p.Val415Ile). This variant is not present in population databases (gnomAD no frequency). This variant has not been reported in the literature in individuals affected with CHEK2-related conditions. ClinVar contains an entry for this variant (Variation ID: 818682). An algorithm developed to predict the effect of missense changes on protein structure and function (PolyPhen-2) suggests that this variant is likely to be disruptive. In summary, the available evidence is currently insufficient to determine the role of this variant in disease. Therefore, it has been classified as a Variant of Uncertain Significance.

Ambry Genetics
Classification: Uncertain significance for Hereditary cancer-predisposing syndrome. Last evaluated: 2023-11-28. Review status: criteria provided, single submitter. Criteria: Ambry Variant Classification Scheme 2023. Collection method: clinical testing. Allele origin: germline.
Comment: The p.V415I variant (also known as c.1243G>A), located in coding exon 10 of the CHEK2 gene, results from a G to A substitution at nucleotide position 1243. The valine at codon 415 is replaced by isoleucine, an amino acid with highly similar properties. This amino acid position is highly conserved in available vertebrate species. In addition, the in silico prediction for this alteration is inconclusive. Since supporting evidence is limited at this time, the clinical significance of this alteration remains unclear.

Women's Health and Genetics/Laboratory Corporation of America, LabCorp
Classification: Uncertain significance. Last evaluated: 2023-04-27. Review status: criteria provided, single submitter. Criteria: LabCorp Variant Classification Summary - May 2015. Collection method: clinical testing. Allele origin: germline.

Color Diagnostics, LLC DBA Color Health
Classification: Uncertain significance for Hereditary cancer-predisposing syndrome. Last evaluated: 2019-12-06. Review status: criteria provided, single submitter. Criteria: ACMG Guidelines, 2015. Collection method: clinical testing. Allele origin: germline.
Comment: This missense variant replaces valine with isoleucine at codon 415 of the CHEK2 protein. Computational prediction suggests that this variant may not impact protein structure and function (internally defined REVEL score threshold <= 0.5, PMID: 27666373). Splice site prediction tools suggest that this variant may not impact RNA splicing. To our knowledge, functional studies have not been performed for this variant. This variant has not been reported in individuals affected with hereditary cancer in the literature. This variant has not been identified in the general population by the Genome Aggregation Database (gnomAD). The available evidence is insufficient to determine the role of this variant in disease conclusively. Therefore, this variant is classified as a Variant of Uncertain Significance.

NM_007194.4(CHEK2):c.1243G>A (p.Val415Ile)

Gene: CHEK2 (checkpoint kinase 2; minus strand). Cytogenetic location: 22q12.1.
Variant type: single nucleotide variant.
Coding change: c.1243G>A on transcript NM_007194.4 (MANE Select); coding-DNA position 1243, G replaced by A.
Protein change: p.Val415Ile; replaces valine 415 with isoleucine.
Molecular consequence: missense variant.
Genome position (GRCh38, 1-based): chr22:28,695,726, C>T on the plus strand (G>A on the coding strand, the complement: CHEK2 is on the minus strand). VCF-style: chr22-28695726-C-T. GRCh37 (hg19) VCF-style: chr22-29091714-C-T.
Other names: c.1372G>A, p.Val458Ile (NM_001005735.3); c.580G>A, p.Val194Ile (NM_001257387.3); c.1042G>A, p.Val348Ile (NM_001349956.3); c.1156G>A, p.Val386Ile (NM_145862.3); short protein forms V348I, V415I, V458I, V194I, V386I.
Identifiers: ClinVar variation 818682 (VCV000818682.20), dbSNP rs1601721900, ClinGen allele CA411096584.